The following is an entry in ClinVar:

ClinVar aggregate classification (germline): Uncertain significance. Review status: criteria provided, multiple submitters, no conflicts (2 of 4 stars). 4 submissions from 4 submitters: Uncertain significance (4). Last evaluated 2025-04-03.

Conditions:
Inborn genetic diseases. Identifiers: MedGen C0950123, MeSH D030342.
Epidermolysis bullosa simplex 5B, with muscular dystrophy (EBS5B). Also called: EPIDERMOLYSIS BULLOSA SIMPLEX AND LIMB-GIRDLE MUSCULAR DYSTROPHY; Epidermolysis bullosa simplex with muscular dystrophy. Identifiers: Orphanet 257, MedGen C2931072, MONDO:0009181, OMIM 226670.
Epidermolysis bullosa simplex, Ogna type (EBS5A). Also called: Pidermolysis bullosa simplex 5A, Ogna type; EPIDERMOLYSIS BULLOSA SIMPLEX 5A, OGNA TYPE. Identifiers: Orphanet 79401, MedGen C0432317, MONDO:0007555, OMIM 131950.
Autosomal recessive limb-girdle muscular dystrophy type 2Q (LGMDR17). Also called: MUSCULAR DYSTROPHY, LIMB-GIRDLE, AUTOSOMAL RECESSIVE 17. Identifiers: Orphanet 254361, MedGen C3150989, MONDO:0013390, OMIM 613723.
Epidermolysis bullosa simplex 5C, with pyloric atresia (EBS5C). Also called: Epidermolysis bullosa simplex with pyloric atresia; PLEC1-Related Epidermolysis Bullosa with Pyloric Atresia; PLEC-Related Epidermolysis Bullosa with Pyloric Atresia. Identifiers: Orphanet 158684, MedGen C2677349, MONDO:0012807, OMIM 612138.
Epidermolysis bullosa simplex with nail dystrophy (EBS5D). Identifiers: MedGen C4225309, MONDO:0014661, OMIM 616487.

Allele frequency attached by ClinVar (database versions not stated): ExAC below 0.00001; gnomAD exomes 0.00002 and 0.00003; gnomAD 0.00006 and 0.00008; ESP Exome Variant Server 0.00008; TOPMed 0.00008.
gnomAD v4.1: 46 of 1,589,754 alleles (0.0029%); highest among the groups gnomAD compares: African/African-American, 0.021%; no homozygotes.

Submissions (4):

Labcorp Genetics (formerly Invitae), Labcorp
Classification: Uncertain significance for Autosomal recessive limb-girdle muscular dystrophy type 2Q; Epidermolysis bullosa simplex, Ogna type; Epidermolysis bullosa simplex with nail dystrophy; Epidermolysis bullosa simplex 5C, with pyloric atresia; Epidermolysis bullosa simplex 5B, with muscular dystrophy. Last evaluated: 2025-04-03. Review status: criteria provided, single submitter. Criteria: Invitae Variant Classification Sherloc (09022015). Collection method: clinical testing. Allele origin: germline.
Comment: This sequence change replaces proline, which is neutral and non-polar, with leucine, which is neutral and non-polar, at codon 1042 of the PLEC protein (p.Pro1042Leu). This variant is present in population databases (rs372286371, gnomAD 0.01%). This variant has not been reported in the literature in individuals affected with PLEC-related conditions. ClinVar contains an entry for this variant (Variation ID: 501309). Invitae Evidence Modeling of protein sequence and biophysical properties (such as structural, functional, and spatial information, amino acid conservation, physicochemical variation, residue mobility, and thermodynamic stability) indicates that this missense variant is expected to disrupt PLEC protein function with a positive predictive value of 80%. In summary, the available evidence is currently insufficient to determine the role of this variant in disease. Therefore, it has been classified as a Variant of Uncertain Significance.

Revvity Omics, Revvity
Classification: Uncertain significance. Last evaluated: 2022-04-02. Review status: criteria provided, single submitter. Criteria: ACMG Guidelines, 2015. Collection method: clinical testing. Allele origin: germline.

Ambry Genetics
Classification: Uncertain significance for Inborn genetic diseases. Last evaluated: 2021-07-28. Review status: criteria provided, single submitter. Criteria: Ambry Variant Classification Scheme 2023. Collection method: clinical testing. Allele origin: germline.

Eurofins Ntd Llc (ga)
Classification: Uncertain significance. Last evaluated: 2017-04-12. Review status: criteria provided, single submitter. Criteria: EGL Classification Definitions 2015. Collection method: clinical testing. Allele origin: germline. Observed: 1 variant allele, 1 heterozygote.

NM_201384.3(PLEC):c.3044C>T (p.Pro1015Leu)

Gene: PLEC (plectin; minus strand). Cytogenetic location: 8q24.3.
Variant type: single nucleotide variant.
Coding change: c.3044C>T on transcript NM_201384.3 (MANE Select); coding-DNA position 3044, C replaced by T.
Protein change: p.Pro1015Leu; replaces proline 1015 with leucine.
Molecular consequence: missense variant.
Genome position (GRCh38, 1-based): chr8:143,929,451, G>A on the plus strand (C>T on the coding strand, the complement: PLEC is on the minus strand). VCF-style: chr8-143929451-G-A. GRCh37 (hg19) VCF-style: chr8-145003619-G-A.
Other names: c.3125C>T, p.Pro1042Leu (NM_000445.5); c.3002C>T, p.Pro1001Leu (NM_201378.4); c.2978C>T, p.Pro993Leu (NM_201379.3); c.3455C>T, p.Pro1152Leu (NM_201380.4); c.2948C>T, p.Pro983Leu (NM_201381.3); c.3044C>T, p.Pro1015Leu (NM_201382.4); c.3056C>T, p.Pro1019Leu (NM_201383.3); c.3125C>T (NM_000445.3); short protein forms P1001L, P1015L, P1019L, P1042L, P1152L, P983L, P993L.
Identifiers: ClinVar variation 501309 (VCV000501309.14), dbSNP rs372286371, ClinGen allele CA4927250.